The following is an entry in ClinVar:

ClinVar aggregate classification (germline): Uncertain significance. Review status: criteria provided, multiple submitters, no conflicts (2 of 4 stars). 2 submissions from 2 submitters: Uncertain significance (2). Last evaluated 2025-02-11.

Conditions:
Hereditary sensory and autonomic neuropathy type 6. Also called: Neuropathy, hereditary sensory and autonomic, type VI; HSAN VI. Identifiers: Orphanet 314381, MedGen C3539003, MONDO:0013839, OMIM 614653.
Epidermolysis bullosa simplex 3, localized or generalized intermediate, with BP230 deficiency (EBS3). Also called: Epidermolysis bullosa simplex, autosomal recessive 2; Epidermolysis bullosa simplex due to BP230 deficiency. Identifiers: Orphanet 412181, MedGen C3809470, MONDO:0014180, OMIM 615425.
Inborn genetic diseases. Identifiers: MedGen C0950123, MeSH D030342.

Allele frequency attached by ClinVar (database versions not stated): gnomAD 0.00003; TOPMed 0.00003; gnomAD exomes 0.00006; ExAC 0.00008; ESP Exome Variant Server 0.00008.
gnomAD v4.1: 34 of 1,613,624 alleles (0.0021%); highest among the groups gnomAD compares: African/African-American, 0.0053%; no homozygotes.

Submissions (2):

Labcorp Genetics (formerly Invitae), Labcorp
Classification: Uncertain significance for Epidermolysis bullosa simplex 3, localized or generalized intermediate, with BP230 deficiency; Hereditary sensory and autonomic neuropathy type 6. Last evaluated: 2025-02-11. Review status: criteria provided, single submitter. Criteria: Invitae Variant Classification Sherloc (09022015). Collection method: clinical testing. Allele origin: germline.
Comment: The DST gene has multiple clinically relevant transcripts. This variant occurs in alternate transcript NM_015548.4, and corresponds to NM_001723.5:c.*132722G>A in the primary transcript. This sequence change replaces arginine, which is basic and polar, with glutamine, which is neutral and polar, at codon 4474 of the DST protein (p.Arg4474Gln). This variant is present in population databases (rs372651269, gnomAD 0.01%). This variant has not been reported in the literature in individuals affected with DST-related conditions. ClinVar contains an entry for this variant (Variation ID: 968490). Experimental studies and prediction algorithms are not available or were not evaluated, and the functional significance of this variant is currently unknown. In summary, the available evidence is currently insufficient to determine the role of this variant in disease. Therefore, it has been classified as a Variant of Uncertain Significance.

Ambry Genetics
Classification: Uncertain significance for Inborn genetic diseases. Last evaluated: 2021-12-22. Review status: criteria provided, single submitter. Criteria: Ambry Variant Classification Scheme 2023. Collection method: clinical testing. Allele origin: germline.
Comment: The p.R4978Q variant (also known as c.14933G>A), located in coding exon 83 of the DST gene, results from a G to A substitution at nucleotide position 14933. The arginine at codon 4978 is replaced by glutamine, an amino acid with highly similar properties. This amino acid position is not well conserved in available vertebrate species. In addition, this alteration is predicted to be tolerated by in silico analysis.

NM_001374736.1(DST):c.21290G>A (p.Arg7097Gln)

Gene: DST (dystonin; minus strand). Cytogenetic location: 6p12.1.
Variant type: single nucleotide variant.
Coding change: c.21290G>A on transcript NM_001374736.1 (MANE Select); coding-DNA position 21290, G replaced by A.
Protein change: p.Arg7097Gln; replaces arginine 7097 with glutamine.
Molecular consequence: missense variant.
Genome position (GRCh38, 1-based): chr6:56,482,795, C>T on the plus strand (G>A on the coding strand, the complement: DST is on the minus strand). VCF-style: chr6-56482795-C-T. GRCh37 (hg19) VCF-style: chr6-56347593-C-T.
Other names: c.14933G>A, p.Arg4978Gln (NM_001144769.5); c.14519G>A, p.Arg4840Gln (NM_001144770.2); c.21290G>A, p.Arg7097Gln (NM_001374722.1); c.20330G>A, p.Arg6777Gln (NM_001374729.1); c.14072G>A, p.Arg4691Gln (NM_001374730.1); c.21317G>A, p.Arg7106Gln (NM_001374734.1); c.13421G>A, p.Arg4474Gln (NM_015548.5); c.14399G>A, p.Arg4800Gln (NM_183380.4); short protein forms R4691Q, R4840Q, R4474Q, R7097Q, R4800Q, R7106Q, R4978Q, R6777Q.
Identifiers: ClinVar variation 968490 (VCV000968490.11), dbSNP rs372651269, ClinGen allele CA3866538.